The following is an entry in ClinVar:

NM_020975.6(RET):c.977A>G (p.Gln326Arg)

Gene: RET (ret proto-oncogene; plus strand). Cytogenetic location: 10q11.21.
Variant type: single nucleotide variant.
Coding change: c.977A>G on transcript NM_020975.6 (MANE Select); coding-DNA position 977, A replaced by G.
Protein change: p.Gln326Arg; replaces glutamine 326 with arginine.
Molecular consequence: missense variant.
Genome position (GRCh38, 1-based): chr10:43,106,485, A>G. VCF-style: chr10-43106485-A-G. GRCh37 (hg19) VCF-style: chr10-43601933-A-G.
Other names: c.977A>G, p.Gln326Arg (NM_000323.2, NM_001406743.1, NM_001406744.1 and 6 more transcripts); c.215A>G, p.Gln72Arg (NM_001355216.2); c.848A>G, p.Gln283Arg (NM_001406761.1, NM_001406762.1, NM_001406764.1 and 1 more transcripts); c.689A>G, p.Gln230Arg (NM_001406766.1, NM_001406767.1, NM_001406770.1); short protein forms Q326R, Q72R, Q283R, Q230R.
Identifiers: ClinVar variation 216731 (VCV000216731.22), dbSNP rs863224778, ClinGen allele CA338671.
Genomic context (GRCh38, chr10:43,106,485, plus strand): 5'-CATCAGGGGAGCTGGTGAGGCGGTACACAAGCACGCTGCTCCCCGGGGACACCTGGGCCC[A>G]GCAGACCTTCCGGGTGGAACACTGGCCCAACGAGACCTCGGTCCAGGCCAACGGCAGCTT-3'
Protein context (NP_066124.1, residues 316-336): STLLPGDTWA[Gln326Arg]QTFRVEHWPN

ClinVar aggregate classification (germline): Conflicting classifications of pathogenicity. Review status: criteria provided, conflicting classifications (1 of 4 stars). 9 submissions from 9 submitters: Uncertain significance (7); Likely benign (1). 1 of the submissions does not count toward it. Last evaluated 2025-11-06.

Conditions:
Pheochromocytoma. Also called: MAX-Related Hereditary Paraganglioma-Pheochromocytoma Syndrome. Identifiers: Orphanet 29072, MedGen C0031511, MONDO:0008233, OMIM 171300, HP:0002666.
Hirschsprung disease, susceptibility to, 1 (HSCR1). Also called: RET-Related Hirschsprung Disease. Identifiers: Orphanet 388, MedGen C3888239, MONDO:0007723, OMIM 142623.
Familial medullary thyroid carcinoma (MTC). Also called: Thyroid cancer, familial medullary; MTC, familial; Familial Medullary Thyroid Carcinoma (FMTC). Identifiers: Orphanet 653, Orphanet 99361, MedGen C1833921, MONDO:0007958, OMIM 155240.
Multiple endocrine neoplasia type 2B. Also called: WAGENMANN-FROBOESE SYNDROME; MULTIPLE ENDOCRINE NEOPLASIA, TYPE III; MEN 2B; MUCOSAL NEUROMA SYNDROME; MULTIPLE ENDOCRINE NEOPLASIA, TYPE IIB; MEN IIB. Identifiers: Orphanet 247709, Orphanet 653, MedGen C0025269, MeSH D018814, MONDO:0008082, OMIM 162300.
Multiple endocrine neoplasia type 2A. Also called: MULTIPLE ENDOCRINE NEOPLASIA, TYPE IIA; PTC SYNDROME; SIPPLE SYNDROME; MEN 2A; MEN-2A syndrome; Pheochromocytoma and amyloid producing medullary thyroid carcinoma. Identifiers: Orphanet 247698, Orphanet 653, MedGen C0025268, MeSH D018813, MONDO:0008234, OMIM 171400.
Hereditary cancer-predisposing syndrome. Also called: Tumor predisposition; Hereditary neoplastic syndrome; Neoplastic Syndromes, Hereditary; Hereditary Cancer Syndrome. Identifiers: Orphanet 140162, MedGen C0027672, MeSH D009386, MONDO:0015356.
Multiple endocrine neoplasia, type 2 (MEN2). Identifiers: Orphanet 653, MedGen C4048306, MONDO:0019003. Disease mechanism: gain of function.

Allele frequency attached by ClinVar (database versions not stated): gnomAD exomes 0.00001; TOPMed 0.00001; gnomAD 0.00003.
gnomAD v4.1: 28 of 1,613,614 alleles (0.0017%); highest among the groups gnomAD compares: Non-Finnish European, 0.0022%; no homozygotes.

Submissions (9):

Labcorp Genetics (formerly Invitae), Labcorp
Classification: Uncertain significance for Multiple endocrine neoplasia, type 2. Last evaluated: 2025-11-06. Review status: criteria provided, single submitter. Criteria: Invitae Variant Classification Sherloc (09022015). Collection method: clinical testing. Allele origin: germline.
Comment: This sequence change replaces glutamine, which is neutral and polar, with arginine, which is basic and polar, at codon 326 of the RET protein (p.Gln326Arg). This variant is present in population databases (no rsID available, gnomAD 0.002%). This variant has not been reported in the literature in individuals affected with RET-related conditions. ClinVar contains an entry for this variant (Variation ID: 216731). An algorithm developed to predict the effect of missense changes on protein structure and function outputs the following: PolyPhen-2: "Benign". The arginine amino acid residue is found in multiple mammalian species, which suggests that this missense change does not adversely affect protein function. In summary, the available evidence is currently insufficient to determine the role of this variant in disease. Therefore, it has been classified as a Variant of Uncertain Significance.

Color Diagnostics, LLC DBA Color Health
Classification: Uncertain significance for Multiple endocrine neoplasia, type 2. Last evaluated: 2025-07-29. Review status: criteria provided, single submitter. Criteria: ACMG Guidelines, 2015. Collection method: clinical testing. Allele origin: germline.
Comment: This missense variant replaces glutamine with arginine at codon 326 of the RET protein. Computational prediction suggests that this variant may not impact protein structure and function. To our knowledge, functional studies have not been reported for this variant. This variant has been reported in an individual affected with cutaneous melanoma and at least two independent additional primary cancers (PMID: 29641532). This variant has been identified in 4/280482 chromosomes in the general population by the Genome Aggregation Database (gnomAD). The available evidence is insufficient to determine the role of this variant in disease conclusively. Therefore, this variant is classified as a Variant of Uncertain Significance.

Ambry Genetics
Classification: Likely benign for Hereditary cancer-predisposing syndrome. Last evaluated: 2024-12-03. Review status: criteria provided, single submitter. Criteria: Ambry Variant Classification Scheme 2023. Collection method: clinical testing. Allele origin: germline.

GeneDx
Classification: Uncertain significance. Last evaluated: 2024-04-25. Review status: criteria provided, single submitter. Criteria: GeneDx Variant Classification Process June 2021. Collection method: clinical testing. Allele origin: germline.
Comment: Not observed at significant frequency in large population cohorts (gnomAD); In silico analysis indicates that this missense variant does not alter protein structure/function; Has not been previously published as pathogenic or benign in association with a RET-related disorder to our knowledge; This variant is associated with the following publications: (PMID: 29641532, 14633923)

All of Us Research Program, National Institutes of Health
Classification: Uncertain significance for Multiple endocrine neoplasia, type 2. Last evaluated: 2023-10-30. Review status: criteria provided, single submitter. Criteria: ACMG Guidelines, 2015. Collection method: clinical testing. Allele origin: germline. Inheritance: Autosomal dominant inheritance. Observed: 2 variant alleles, 2 heterozygotes.
Comment: This missense variant replaces glutamine with arginine at codon 326 of the RET protein. Computational prediction suggests that this variant may not impact protein structure and function (internally defined REVEL score threshold <= 0.5, PMID: 27666373). To our knowledge, functional studies have not been reported for this variant. This variant has been reported in an individual affected with cutaneous melanoma and at least two independent additional primary cancers (PMID: 29641532). This variant has been identified in 4/280482 chromosomes in the general population by the Genome Aggregation Database (gnomAD). The available evidence is insufficient to determine the role of this variant in disease conclusively. Therefore, this variant is classified as a Variant of Uncertain Significance.

This study involves interpretation of variants in research participants for the purpose of population health screening. Participant phenotype was not available at the time of variant classification. Additional details can be found in publication PMID: 35346344, PMCID: PMC8962531

Baylor Genetics
Classification: Uncertain significance for Hirschsprung disease, susceptibility to, 1. Last evaluated: 2023-06-30. Review status: criteria provided, single submitter. Criteria: ACMG Guidelines, 2015. Collection method: clinical testing. Allele origin: unknown.

Myriad Genetics, Inc.
Classification: Uncertain significance for Multiple endocrine neoplasia type 2A. Last evaluated: 2023-04-18. Review status: criteria provided, single submitter. Criteria: Myriad Autosomal Dominant, Autosomal Recessive and X-Linked Classification Criteria (2023). Collection method: clinical testing. Allele origin: unknown.
Comment: This variant is classified as a variant of uncertain significance as there is insufficient evidence to determine its impact on protein function and/or cancer risk.

Fulgent Genetics
Classification: Uncertain significance for Hirschsprung disease, susceptibility to, 1; Familial medullary thyroid carcinoma; Multiple endocrine neoplasia type 2B; Pheochromocytoma; Multiple endocrine neoplasia type 2A. Last evaluated: 2022-05-19. Review status: criteria provided, single submitter. Criteria: ACMG Guidelines, 2015. Collection method: clinical testing. Allele origin: unknown.

Counsyl
Classification: Uncertain significance for Multiple endocrine neoplasia type 2A. Last evaluated: 2017-05-26. Review status: no assertion criteria provided. Collection method: clinical testing. Allele origin: unknown. Not counted in ClinVar's aggregate classification.

Literature cited by the submitters: PubMed 29641532 (cited by 3 submitters).